The following is an entry in ClinVar:

NM_207421.4(PADI6):c.1782G>A (p.Glu594=)

Gene: PADI6 (peptidyl arginine deiminase 6; plus strand). Cytogenetic location: 1p36.13.
Variant type: single nucleotide variant.
Coding change: c.1782G>A on transcript NM_207421.4 (MANE Select); coding-DNA position 1782, G replaced by A.
Protein change: p.Glu594=; no amino-acid change (glutamic acid 594 retained).
Molecular consequence: synonymous variant.
Genome position (GRCh38, 1-based): chr1:17,398,778, G>A. VCF-style: chr1-17398778-G-A. GRCh37 (hg19) VCF-style: chr1-17725274-G-A.
Identifiers: ClinVar variation 3055206 (VCV003055206.2), dbSNP rs762413875, ClinGen allele CA641909.

ClinVar aggregate classification (germline): Likely benign (0 of 4 stars; one submission).

Conditions:
PADI6-related disorder. Also called: PADI6-related condition.

Allele frequency attached by ClinVar (database versions not stated): ExAC 0.00002; gnomAD exomes 0.00002; gnomAD 0.00003.
gnomAD v4.1: 29 of 1,612,112 alleles (0.0018%); highest among the groups gnomAD compares: Non-Finnish European, 0.00093%; no homozygotes.

Submission:

PreventionGenetics, part of Exact Sciences
Classification: Likely benign for PADI6-related condition. Last evaluated: 2020-12-08. Review status: no assertion criteria provided. Collection method: clinical testing. Allele origin: germline.
Comment: This variant is classified as likely benign based on ACMG/AMP sequence variant interpretation guidelines (Richards et al. 2015 PMID: 25741868, with internal and published modifications).